The following is an entry in ClinVar:

ClinVar aggregate classification (germline): Uncertain significance (1 of 4 stars; one submission).

Conditions:
Mosaic variegated aneuploidy syndrome 2 (MVA2). Identifiers: Orphanet 1052, MedGen C3279843, MONDO:0013582, OMIM 614114.

Submission:

Labcorp Genetics (formerly Invitae), Labcorp
Classification: Uncertain significance for Mosaic variegated aneuploidy syndrome 2. Last evaluated: 2024-03-05. Review status: criteria provided, single submitter. Criteria: Invitae Variant Classification Sherloc (09022015). Collection method: clinical testing. Allele origin: germline.
Comment: This sequence change replaces aspartic acid, which is acidic and polar, with alanine, which is neutral and non-polar, at codon 464 of the CEP57 protein (p.Asp464Ala). This variant is not present in population databases (gnomAD no frequency). This variant has not been reported in the literature in individuals affected with CEP57-related conditions. Advanced modeling of protein sequence and biophysical properties (such as structural, functional, and spatial information, amino acid conservation, physicochemical variation, residue mobility, and thermodynamic stability) performed at Invitae indicates that this missense variant is not expected to disrupt CEP57 protein function with a negative predictive value of 80%. In summary, the available evidence is currently insufficient to determine the role of this variant in disease. Therefore, it has been classified as a Variant of Uncertain Significance.

NM_014679.5(CEP57):c.1391A>C (p.Asp464Ala)

Gene: CEP57 (centrosomal protein 57; plus strand). Cytogenetic location: 11q21.
Variant type: single nucleotide variant.
Coding change: c.1391A>C on transcript NM_014679.5 (MANE Select); coding-DNA position 1391, A replaced by C.
Protein change: p.Asp464Ala; replaces aspartic acid 464 with alanine.
Molecular consequence: missense variant.
Genome position (GRCh38, 1-based): chr11:95,831,144, A>C. VCF-style: chr11-95831144-A-C. GRCh37 (hg19) VCF-style: chr11-95564308-A-C.
Other names: c.1364A>C, p.Asp455Ala (NM_001243776.2); c.1313A>C, p.Asp438Ala (NM_001243777.2); c.1310A>C, p.Asp437Ala (NM_001363604.2); short protein forms D464A, D455A, D437A, D438A.
Identifiers: ClinVar variation 3644538 (VCV003644538.2).